The following is an entry in ClinVar:

NM_004656.4(BAP1):c.840dup (p.Leu281fs)

Gene: BAP1 (BRCA1 associated deubiquitinase 1; minus strand). Cytogenetic location: 3p21.1.
Variant type: Duplication.
Coding change: c.840dup on transcript NM_004656.4 (MANE Select); coding-DNA position 840, one base duplicated (G; older notation c.840dupG).
Protein change: p.Leu281fs; shifts the reading frame from leucine 281.
Molecular consequence: frameshift variant.
Genome position (GRCh38, 1-based): chr3:52,405,856, C duplicated on the plus strand (G on the coding strand, the reverse complement: BAP1 is on the minus strand). VCF-style (leftmost placement, unchanged base first): chr3-52405855-G-GC. GRCh37 (hg19) VCF-style: chr3-52439871-G-GC.
Other names: c.786dup, p.Leu263fs (NM_001410772.1); short protein forms L281fs, L263fs.
Identifiers: ClinVar variation 3721351 (VCV003721351.2).

ClinVar aggregate classification (germline): Pathogenic (1 of 4 stars; one submission).

Conditions:
BAP1-related tumor predisposition syndrome (TPDS1). Also called: BAP1 tumor predisposition syndrome; Tumor susceptibility linked to germline BAP1 mutations; TUMOR PREDISPOSITION SYNDROME 1; COMMON Syndrome. Identifiers: Orphanet 289539, MedGen C3280492, MONDO:0013692, OMIM 614327.

Submission:

Labcorp Genetics (formerly Invitae), Labcorp
Classification: Pathogenic for BAP1-related tumor predisposition syndrome. Last evaluated: 2024-09-23. Review status: criteria provided, single submitter. Criteria: Invitae Variant Classification Sherloc (09022015). Collection method: clinical testing. Allele origin: germline.
Comment: This sequence change creates a premature translational stop signal (p.Leu281Alafs*3) in the BAP1 gene. It is expected to result in an absent or disrupted protein product. Loss-of-function variants in BAP1 are known to be pathogenic (PMID: 21874000, 23684012). This variant is not present in population databases (gnomAD no frequency). This variant has not been reported in the literature in individuals affected with BAP1-related conditions. Algorithms developed to predict the effect of sequence changes on RNA splicing suggest that this variant may disrupt the consensus splice site. For these reasons, this variant has been classified as Pathogenic.

Literature cited by the submitters: PubMed 21874000; PubMed 23684012.